The following is an entry in ClinVar:

Conditions:
Breast-ovarian cancer, familial, susceptibility to, 1 (BROVCA1). Also called: BRCA1 Hereditary Breast and Ovarian Cancer; OVARIAN CANCER, SUSCEPTIBILITY TO. Identifiers: Orphanet 145, MedGen C2676676, MONDO:0011450, OMIM 604370. Disease mechanism: loss of function.

Submission:

Brotman Baty Institute, University of Washington
No classification provided (evidence only). Condition: Breast-ovarian cancer, familial 1. Review status: no classification provided. Collection method: in vitro. Allele origin: not applicable. Functional consequence: functionally_normal.
ClinVar note: "not provided" was previously submitted as the classification for the variant. However, the classification appeared to be based only on an observation of functional data so it was converted to no classification on 2025-07-30.

NM_007294.4(BRCA1):c.5396C>A (p.Thr1799Asn)

Gene: BRCA1 (BRCA1 DNA repair associated; minus strand). Cytogenetic location: 17q21.31.
Variant type: single nucleotide variant.
Coding change: c.5396C>A on transcript NM_007294.4 (MANE Select); coding-DNA position 5396, C replaced by A.
Protein change: p.Thr1799Asn; replaces threonine 1799 with asparagine.
Molecular consequence: missense variant. On other transcripts: non-coding transcript variant (1), intron variant (1).
Genome position (GRCh38, 1-based): chr17:43,049,131, G>T on the plus strand (C>A on the coding strand, the complement: BRCA1 is on the minus strand). VCF-style: chr17-43049131-G-T. GRCh37 (hg19) VCF-style: chr17-41201148-G-T.
Other names: c.5183C>A, p.Thr1728Asn (NM_001407571.1, NM_001407894.1, NM_001407895.1 and 12 more transcripts); c.5462C>A, p.Thr1821Asn (NM_001407581.1, NM_001407582.1); c.5459C>A, p.Thr1820Asn (NM_001407583.1, NM_001407585.1, NM_001407587.1 and 1 more transcripts); c.5456C>A, p.Thr1819Asn (NM_001407590.1, NM_001407591.1); c.5396C>A, p.Thr1799Asn (NM_001407593.1, NM_001407594.1, NM_001407596.1 and 5 more transcripts); c.5393C>A, p.Thr1798Asn (NM_001407614.1, NM_001407615.1, NM_001407616.1 and 14 more transcripts); c.5390C>A, p.Thr1797Asn (NM_001407633.1, NM_001407634.1, NM_001407635.1 and 13 more transcripts); c.5318C>A, p.Thr1773Asn (NM_001407655.1, NM_001407652.1, NM_001407653.1 and 1 more transcripts); and 73 more; short protein forms T1799N, T1752N, T695N, T1820N, T1671N, T1686N, T1709N, T1727N.
Identifiers: ClinVar variation 868415 (VCV000868415.3), dbSNP rs786201945, ClinGen allele CA10590683.